The following is an entry in ClinVar:

NM_004706.4(ARHGEF1):c.1907G>A (p.Ser636Asn)

Gene: ARHGEF1 (Rho guanine nucleotide exchange factor 1; plus strand). Cytogenetic location: 19q13.2.
Variant type: single nucleotide variant.
Coding change: c.1907G>A on transcript NM_004706.4 (MANE Select); coding-DNA position 1907, G replaced by A.
Protein change: p.Ser636Asn; replaces serine 636 with asparagine.
Molecular consequence: missense variant. On other transcripts: non-coding transcript variant (2).
Genome position (GRCh38, 1-based): chr19:41,903,774, G>A. VCF-style: chr19-41903774-G-A. GRCh37 (hg19) VCF-style: chr19-42407926-G-A.
Other names: c.2075G>A, p.Ser692Asn (NM_001396000.1); c.1808G>A, p.Ser603Asn (NM_001396002.1, NM_001396004.1, NM_198977.2); c.1907G>A, p.Ser636Asn (NM_001396003.1, NM_001396006.1); c.1952G>A, p.Ser651Asn (NM_199002.2); short protein forms S636N, S651N, S692N, S603N.
Identifiers: ClinVar variation 3691412 (VCV003691412.2).
Genomic context (GRCh38, chr19:41,903,774, plus strand): 5'-AGGACTATCAGCGGCGCCTGGACTTGTCCCACCTTCGGCAGAGCAGCGACCCTATGCTGA[G>A]CGAGTTCAAGGTGTGACCATACCCTCCTGCCTCCCCCGCCCCCCTACTCCTTGGCCCAGG-3'
Protein context (NP_004697.2, residues 626-646): HLRQSSDPML[Ser636Asn]EFKNLDITKK

ClinVar aggregate classification (germline): Uncertain significance (1 of 4 stars; one submission).

Submission:

Labcorp Genetics (formerly Invitae), Labcorp
Classification: Uncertain significance. Last evaluated: 2024-02-02. Review status: criteria provided, single submitter. Criteria: Invitae Variant Classification Sherloc (09022015). Collection method: clinical testing. Allele origin: germline.
Comment: This sequence change replaces serine, which is neutral and polar, with asparagine, which is neutral and polar, at codon 651 of the ARHGEF1 protein (p.Ser651Asn). This variant is not present in population databases (gnomAD no frequency). This variant has not been reported in the literature in individuals affected with ARHGEF1-related conditions. Algorithms developed to predict the effect of missense changes on protein structure and function output the following: SIFT: "Not Available"; PolyPhen-2: "Benign"; Align-GVGD: "Not Available". The asparagine amino acid residue is found in multiple mammalian species, which suggests that this missense change does not adversely affect protein function. In summary, the available evidence is currently insufficient to determine the role of this variant in disease. Therefore, it has been classified as a Variant of Uncertain Significance.